The following is an entry in ClinVar:

NM_006206.6(PDGFRA):c.1678A>T (p.Arg560Trp)

Gene: PDGFRA (platelet derived growth factor receptor alpha; plus strand). Cytogenetic location: 4q12.
Variant type: single nucleotide variant.
Coding change: c.1678A>T on transcript NM_006206.6 (MANE Select); coding-DNA position 1678, A replaced by T.
Protein change: p.Arg560Trp; replaces arginine 560 with tryptophan.
Molecular consequence: missense variant.
Genome position (GRCh38, 1-based): chr4:54,274,865, A>T. VCF-style: chr4-54274865-A-T. GRCh37 (hg19) VCF-style: chr4-55141032-A-T.
Other names: c.1678A>T, p.Arg560Trp (NM_001347827.2, NM_001347829.2); c.1753A>T, p.Arg585Trp (NM_001347828.2); c.1717A>T, p.Arg573Trp (NM_001347830.2); short protein forms R585W, R573W, R560W.
Identifiers: ClinVar variation 952040 (VCV000952040.10), dbSNP rs1723630857, ClinGen allele CA356893069.

ClinVar aggregate classification (germline): Uncertain significance (1 of 4 stars; one submission).

Conditions:
Gastrointestinal stromal tumor. Also called: Gastrointestinal stromal tumor, somatic; Gastrointestinal stroma tumor. Identifiers: Orphanet 44890, MedGen C0238198, MeSH D046152, MONDO:0011719, OMIM 606764, HP:0100723.

Submission:

Labcorp Genetics (formerly Invitae), Labcorp
Classification: Uncertain significance for Gastrointestinal stromal tumor. Last evaluated: 2019-05-08. Review status: criteria provided, single submitter. Criteria: Invitae Variant Classification Sherloc (09022015). Collection method: clinical testing. Allele origin: germline.
Comment: In summary, the available evidence is currently insufficient to determine the role of this variant in disease. Therefore, it has been classified as a Variant of Uncertain Significance. Algorithms developed to predict the effect of sequence changes on RNA splicing suggest that this variant may create or strengthen a splice site, but this prediction has not been confirmed by published transcriptional studies. Algorithms developed to predict the effect of missense changes on protein structure and function are either unavailable or do not agree on the potential impact of this missense change (SIFT: "Deleterious"; PolyPhen-2: "Probably Damaging"; Align-GVGD: "Class C0"). This variant has not been reported in the literature in individuals with PDGFRA-related conditions. This variant is not present in population databases (ExAC no frequency). This sequence change replaces arginine with tryptophan at codon 560 of the PDGFRA protein (p.Arg560Trp). The arginine residue is highly conserved and there is a moderate physicochemical difference between arginine and tryptophan.